The following is an entry in ClinVar:

ClinVar aggregate classification (germline): Conflicting classifications of pathogenicity. Review status: criteria provided, conflicting classifications (1 of 4 stars). 2 submissions from 2 submitters: Uncertain significance (1); Likely benign (1). Last evaluated 2023-10-06.

Conditions:
Dextro-looped transposition of the great arteries. Also called: Dextrotransposition of the great arteries. Identifiers: Orphanet 860, MedGen C3531771, MONDO:0019443, OMIM 608808, HP:0031348.
Inborn genetic diseases. Identifiers: MedGen C0950123, MeSH D030342.

Allele frequency attached by ClinVar (database versions not stated): ExAC 0.00001; gnomAD 0.00002; ESP Exome Variant Server 0.00015.
gnomAD v4.1: 62 of 1,613,656 alleles (0.0038%); highest among the groups gnomAD compares: Non-Finnish European, 0.005%; no homozygotes.

Submissions (2):

Labcorp Genetics (formerly Invitae), Labcorp
Classification: Uncertain significance for Dextro-looped transposition of the great arteries. Last evaluated: 2023-10-06. Review status: criteria provided, single submitter. Criteria: Invitae Variant Classification Sherloc (09022015). Collection method: clinical testing. Allele origin: germline.
Comment: This sequence change replaces cysteine, which is neutral and slightly polar, with serine, which is neutral and polar, at codon 733 of the MED13L protein (p.Cys733Ser). This variant is present in population databases (rs150711606, gnomAD 0.003%). This variant has not been reported in the literature in individuals affected with MED13L-related conditions. Advanced modeling of protein sequence and biophysical properties (such as structural, functional, and spatial information, amino acid conservation, physicochemical variation, residue mobility, and thermodynamic stability) performed at Invitae indicates that this missense variant is not expected to disrupt MED13L protein function. In summary, the available evidence is currently insufficient to determine the role of this variant in disease. Therefore, it has been classified as a Variant of Uncertain Significance.

Ambry Genetics
Classification: Likely benign for Inborn genetic diseases. Last evaluated: 2023-07-12. Review status: criteria provided, single submitter. Criteria: Ambry Variant Classification Scheme 2023. Collection method: clinical testing. Allele origin: germline.

NM_015335.5(MED13L):c.2197T>A (p.Cys733Ser)

Gene: MED13L (mediator complex subunit 13L; minus strand). Cytogenetic location: 12q24.21.
Variant type: single nucleotide variant.
Coding change: c.2197T>A on transcript NM_015335.5 (MANE Select); coding-DNA position 2197, T replaced by A.
Protein change: p.Cys733Ser; replaces cysteine 733 with serine.
Molecular consequence: missense variant.
Genome position (GRCh38, 1-based): chr12:116,007,452, A>T on the plus strand (T>A on the coding strand, the complement: MED13L is on the minus strand). VCF-style: chr12-116007452-A-T. GRCh37 (hg19) VCF-style: chr12-116445257-A-T.
Other names: short protein forms C733S.
Identifiers: ClinVar variation 2611284 (VCV002611284.5), dbSNP rs150711606, ClinGen allele CA6811232.
Genomic context (GRCh38, chr12:116,007,452, plus strand): 5'-TCTCTCTGTTAAATGGTACCTTATTCTTTTTCAGGGAATCTTTCTCCGTCCCTTGTTTGC[A>T]TTTCTTGTTGGCTGTAAAGATGTATTTTATGTCACCATCTTCAAAGGTATATGGGTCATT-3'
Protein context (NP_056150.1, residues 723-743): IKYIFTANKK[Cys733Ser]KQGTEKDSLK